The following is an entry in ClinVar:

ClinVar aggregate classification (germline): Uncertain significance (1 of 4 stars; one submission).

Conditions:
Combined oxidative phosphorylation defect type 13. Also called: Combined oxidative phosphorylation deficiency 13. Identifiers: Orphanet 319514, MedGen C4706283, MONDO:0013977, OMIM 614932.

gnomAD v4.1: 4 of 1,607,350 alleles (0.00025%); highest among the groups gnomAD compares: Non-Finnish European, 0.00034%; no homozygotes.

Submission:

Victorian Clinical Genetics Services, Murdoch Childrens Research Institute
Classification: Uncertain significance for Combined oxidative phosphorylation defect type 13. Last evaluated: 2026-03-30. Review status: criteria provided, single submitter. Criteria: ACMG Guidelines, 2015. Collection method: clinical testing. Allele origin: germline. Affected: yes.
Comment: This variant is classified as VUS-3A. Evidence in support of pathogenic classification: Variant is present in gnomAD <0.01 (v4: 4 heterozygote(s), 0 homozygote(s)); Missense variant predicted to be damaging by in silico tool(s) or highly conserved with a major amino acid change; Heterozygous variant detected in trans with a LIKELY PATHOGENIC heterozygous variant (c.1592C>G; p.(Thr531Arg)) in a recessive disease. Additional information: Variant is predicted to result in a missense amino acid change from Arg to Ser; This variant is heterozygous; This gene is associated with both recessive and dominant disease. There is currently no genotype-phenotype correlation between recessive (combined oxidative phosphorylation deficiency 13 (MIM#614932), deafness, 70, with or without adult-onset neurodegeneration (MIM#614934)) and dominant (spinocerebellar ataxia 25 (MIM#608703)) disease (PanelApp Australia); Alternative amino acid change(s) at the same position are present in gnomAD (highest allele count: v4: 168 heterozygote(s), 0 homozygote(s)); This variant has no previous evidence of pathogenicity; No published evidence of segregation with disease has been identified for this variant; No published functional evidence has been identified for this variant; Another missense variant comparable to the one identified in this case has inconclusive previous evidence for pathogenicity. This alternative change (p.(Arg528His)) has been classified multiple times by clinical laboratories in ClinVar; Variant is not located in an established domain, motif, hotspot or informative constraint region; Loss of function is a known mechanism of disease in this gene and is associated with combined oxidative phosphorylation deficiency 13 (MIM#614932), deafness, autosomal recessive 70, with or without adult-onset neurodegeneration (MIM#614934), and spinocerebellar ataxia 25 (MIM#608703); Variants in this gene are known to have variable expressivity, specifically in individuals with spinocerebellar ataxia 25 (MIM#608703) (PMID: 39924761, PMID: 35411967).

Literature cited by the submitters: PubMed 35411967; PubMed 39924761.

NM_033109.5(PNPT1):c.1582C>A (p.Arg528Ser)

Gene: PNPT1 (polyribonucleotide nucleotidyltransferase 1; minus strand). Cytogenetic location: 2p16.1.
Variant type: single nucleotide variant.
Coding change: c.1582C>A on transcript NM_033109.5 (MANE Select); coding-DNA position 1582, C replaced by A.
Protein change: p.Arg528Ser; replaces arginine 528 with serine.
Molecular consequence: missense variant.
Genome position (GRCh38, 1-based): chr2:55,647,367, G>T on the plus strand (C>A on the coding strand, the complement: PNPT1 is on the minus strand). VCF-style: chr2-55647367-G-T. GRCh37 (hg19) VCF-style: chr2-55874502-G-T.
Other names: short protein forms R528S.
Identifiers: ClinVar variation 4879693 (VCV004879693.1).